The following is an entry in ClinVar:

ClinVar aggregate classification (germline): Conflicting classifications of pathogenicity. Review status: criteria provided, conflicting classifications (1 of 4 stars). 2 submissions from 2 submitters: Pathogenic (1); Uncertain significance (1). Last evaluated 2023-08-29.

Conditions:
STRC-related disorder. Also called: STRC-related condition.

gnomAD v4.1: 8 of 1,613,820 alleles (0.0005%); highest among the groups gnomAD compares: South Asian, 0.0011%; no homozygotes.

Submissions (2):

Blueprint Genetics
Classification: Pathogenic for STRC-related disorders. Last evaluated: 2023-08-29. Review status: criteria provided, single submitter. Criteria: ACMG Guidelines, 2015. Collection method: clinical testing. Allele origin: germline. Affected: yes. Observed: 3 variant alleles.

Laboratory for Molecular Medicine, Mass General Brigham Personalized Medicine
Classification: Uncertain significance. Last evaluated: 2020-03-11. Review status: criteria provided, single submitter. Criteria: LMM Criteria. Collection method: clinical testing. Allele origin: germline. Observed: 1 variant allele.
Comment: Variant classified as Uncertain Significance - Favor Pathogenic. The p.Pro1520His variant in STRC has been previously reported by another laboratory in two probands with hearing loss, both of whom harbored STRC deletions on the remaining allele (personal correspondence). This variant was absent from large population studies. Computational prediction tools and conservation analyses do not provide strong support for or against an impact to the protein. In summary, while there is some suspicion for a pathogenic role, the clinical significance of this variant is uncertain. ACMG/AMP Criteria applied: PM2, PM3.

NM_153700.2(STRC):c.4559C>A (p.Pro1520His)

Gene: STRC (stereocilin; minus strand). Cytogenetic location: 15q15.3.
Variant type: single nucleotide variant.
Coding change: c.4559C>A on transcript NM_153700.2 (MANE Select); coding-DNA position 4559, C replaced by A.
Protein change: p.Pro1520His; replaces proline 1520 with histidine.
Molecular consequence: missense variant.
Genome position (GRCh38, 1-based): chr15:43,601,538, G>T on the plus strand (C>A on the coding strand, the complement: STRC is on the minus strand). VCF-style: chr15-43601538-G-T. GRCh37 (hg19) VCF-style: chr15-43893736-G-T.
Other names: short protein forms P1520H.
Identifiers: ClinVar variation 930094 (VCV000930094.5), dbSNP rs1246240978, ClinGen allele CA392164136.
Genomic context (GRCh38, chr15:43,601,538, plus strand): 5'-TCTCCTAGACCTATTAAGAGCCTACCAAGCTGCAGGATCTGCTCAGGACGAAATCCCCGG[G>T]GGGGACCCCACAACTAGGAGAAAGACAGGAACAATGTGAGTGGAAAAGCAGTGGATTGGG-3'
Protein context (NP_714544.1, residues 1510-1530): MGKAKQLWGP[Pro1520His]RGFRPEQILQ